The following is an entry in ClinVar:

ClinVar aggregate classification (germline): Uncertain significance (1 of 4 stars; one submission).

Conditions:
Alstrom syndrome (ALMS). Identifiers: Orphanet 64, MedGen C0268425, MONDO:0008763, OMIM 203800.

Submission:

Labcorp Genetics (formerly Invitae), Labcorp
Classification: Uncertain significance for Alstrom syndrome. Last evaluated: 2021-05-01. Review status: criteria provided, single submitter. Criteria: Invitae Variant Classification Sherloc (09022015). Collection method: clinical testing. Allele origin: germline.
Comment: In summary, the available evidence is currently insufficient to determine the role of this variant in disease. Therefore, it has been classified as a Variant of Uncertain Significance. Experimental studies and prediction algorithms are not available or were not evaluated, and the functional significance of this variant is currently unknown. This variant has not been reported in the literature in individuals with ALMS1-related conditions. This variant is not present in population databases (ExAC no frequency). This sequence change replaces alanine with threonine at codon 2894 of the ALMS1 protein (p.Ala2894Thr). The alanine residue is moderatly conserved and there is a small physicochemical difference between alanine and threonine.

NM_001378454.1(ALMS1):c.8677G>A (p.Ala2893Thr)

Gene: ALMS1 (ALMS1 centrosome and basal body associated protein; plus strand). Cytogenetic location: 2p13.1.
Variant type: single nucleotide variant.
Coding change: c.8677G>A on transcript NM_001378454.1 (MANE Select); coding-DNA position 8677, G replaced by A.
Protein change: p.Ala2893Thr; replaces alanine 2893 with threonine.
Molecular consequence: missense variant.
Genome position (GRCh38, 1-based): chr2:73,490,636, G>A. VCF-style: chr2-73490636-G-A. GRCh37 (hg19) VCF-style: chr2-73717763-G-A.
Other names: c.8680G>A, p.Ala2894Thr (NM_015120.4); short protein forms A2894T, A2893T.
Identifiers: ClinVar variation 1473007 (VCV001473007.6), dbSNP rs2103892779, ClinGen allele CA347270040.